The following is an entry in ClinVar:

NM_032977.4(CASP10):c.584A>G (p.Gln195Arg)

Gene: CASP10 (caspase 10; plus strand). Cytogenetic location: 2q33.1.
Variant type: single nucleotide variant.
Coding change: c.584A>G on transcript NM_032977.4 (MANE Select); coding-DNA position 584, A replaced by G.
Protein change: p.Gln195Arg; replaces glutamine 195 with arginine.
Molecular consequence: missense variant.
Genome position (GRCh38, 1-based): chr2:201,195,848, A>G. VCF-style: chr2-201195848-A-G. GRCh37 (hg19) VCF-style: chr2-202060571-A-G.
Other names: c.584A>G, p.Gln195Arg (NM_001206524.2, NM_001206542.2, NM_001230.5 and 3 more transcripts); short protein forms Q195R.
Identifiers: ClinVar variation 1721609 (VCV001721609.5), dbSNP rs1483509284, ClinGen allele CA350279427.

ClinVar aggregate classification (germline): Uncertain significance (1 of 4 stars; one submission).

Conditions:
Autoimmune lymphoproliferative syndrome type 2A (ALPS2A). Also called: CASP10-Related Autoimmune Lymphoproliferative Syndrome; AUTOIMMUNE LYMPHOPROLIFERATIVE SYNDROME, TYPE IIA; Autoimmune lymphoproliferative syndrome type 2. Identifiers: Orphanet 3261, MedGen C1858968, MONDO:0011383, OMIM 603909.

Submission:

Labcorp Genetics (formerly Invitae), Labcorp
Classification: Uncertain significance for Autoimmune lymphoproliferative syndrome type 2A. Last evaluated: 2023-08-04. Review status: criteria provided, single submitter. Criteria: Invitae Variant Classification Sherloc (09022015). Collection method: clinical testing. Allele origin: germline.
Comment: This sequence change replaces glutamine, which is neutral and polar, with arginine, which is basic and polar, at codon 195 of the CASP10 protein (p.Gln195Arg). This variant is not present in population databases (gnomAD no frequency). This variant has not been reported in the literature in individuals affected with CASP10-related conditions. ClinVar contains an entry for this variant (Variation ID: 1721609). Advanced modeling of protein sequence and biophysical properties (such as structural, functional, and spatial information, amino acid conservation, physicochemical variation, residue mobility, and thermodynamic stability) performed at Invitae indicates that this missense variant is not expected to disrupt CASP10 protein function. In summary, the available evidence is currently insufficient to determine the role of this variant in disease. Therefore, it has been classified as a Variant of Uncertain Significance.